The following is an entry in ClinVar:

NM_004629.2(FANCG):c.380G>A (p.Arg127His)

Gene: FANCG (FA complementation group G; minus strand). Cytogenetic location: 9p13.3.
Variant type: single nucleotide variant.
Coding change: c.380G>A on transcript NM_004629.2 (MANE Select); coding-DNA position 380, G replaced by A.
Protein change: p.Arg127His; replaces arginine 127 with histidine.
Molecular consequence: missense variant.
Genome position (GRCh38, 1-based): chr9:35,078,271, C>T on the plus strand (G>A on the coding strand, the complement: FANCG is on the minus strand). VCF-style: chr9-35078271-C-T. GRCh37 (hg19) VCF-style: chr9-35078268-C-T.
Other names: short protein forms R127H.
Identifiers: ClinVar variation 639001 (VCV000639001.10), dbSNP rs780985218, ClinGen allele CA5040056.

ClinVar aggregate classification (germline): Uncertain significance. Review status: criteria provided, multiple submitters, no conflicts (2 of 4 stars). 4 submissions from 4 submitters: Uncertain significance (3). 1 of the submissions does not count toward it. Last evaluated 2024-06-30.

Conditions:
Fanconi anemia (FA). Also called: Fanconi's anemia. Identifiers: Orphanet 84, MedGen C0015625, MeSH D005199, MONDO:0019391.
Fanconi anemia complementation group G. Also called: FANCG-Related Fanconi Anemia; Fanconi anemia group G. Identifiers: Orphanet 84, MedGen C3469527, MONDO:0013565, OMIM 614082.

Allele frequency attached by ClinVar (database versions not stated): gnomAD 0.00004; gnomAD exomes 0.00004 and 0.00005; TOPMed 0.00004; ExAC 0.00005.

Submissions (4):

Labcorp Genetics (formerly Invitae), Labcorp
Classification: Uncertain significance for Fanconi anemia. Last evaluated: 2024-06-30. Review status: criteria provided, single submitter. Criteria: Invitae Variant Classification Sherloc (09022015). Collection method: clinical testing. Allele origin: germline.
Comment: This sequence change replaces arginine, which is basic and polar, with histidine, which is basic and polar, at codon 127 of the FANCG protein (p.Arg127His). This variant is present in population databases (rs780985218, gnomAD 0.03%). This variant has not been reported in the literature in individuals affected with FANCG-related conditions. ClinVar contains an entry for this variant (Variation ID: 639001). Advanced modeling of protein sequence and biophysical properties (such as structural, functional, and spatial information, amino acid conservation, physicochemical variation, residue mobility, and thermodynamic stability) performed at Invitae indicates that this missense variant is not expected to disrupt FANCG protein function with a negative predictive value of 80%. In summary, the available evidence is currently insufficient to determine the role of this variant in disease. Therefore, it has been classified as a Variant of Uncertain Significance.

Fulgent Genetics
Classification: Uncertain significance for Fanconi anemia complementation group G. Last evaluated: 2022-04-06. Review status: criteria provided, single submitter. Criteria: ACMG Guidelines, 2015. Collection method: clinical testing. Allele origin: unknown.

Genetic Services Laboratory, University of Chicago
Classification: Uncertain significance. Last evaluated: 2019-05-01. Review status: criteria provided, single submitter. Criteria: ACMG Guidelines, 2015. Collection method: clinical testing. Allele origin: germline. Affected: no.

Natera, Inc.
Classification: Uncertain significance for Fanconi anemia group G. Last evaluated: 2020-03-04. Review status: no assertion criteria provided. Collection method: clinical testing. Allele origin: germline. Not counted in ClinVar's aggregate classification.